The following is an entry in ClinVar:

GRCh37/hg19 2q21.1(chr2:131487820-132166509)

Genes: AMER3 (APC membrane recruitment protein 3; plus strand), ARHGEF4 (Rho guanine nucleotide exchange factor 4; plus strand), FAM168B (family with sequence similarity 168 member B; minus strand), GPR148 (G protein-coupled receptor 148; plus strand), PLEKHB2 (pleckstrin homology domain containing B2; plus strand) and 1 more. Cytogenetic location: 2q21.1.
Variant type: copy number loss.
Identifiers: ClinVar variation 625693 (VCV000625693.1).

ClinVar aggregate classification (germline): Pathogenic (1 of 4 stars; one submission).

Submission:

Baylor Genetics
Classification: Pathogenic. Last evaluated: 2018-11-01. Review status: criteria provided, single submitter. Criteria: ACMG CNV Guidelines, 2011. Collection method: clinical testing. Allele origin: maternal. Affected: yes. Observed: 1 variant allele.
Comment: This 2q21.1 deletion includes ARHGEF4 and GPR148, and deletions involving this region have been previously reported in patients with neurological disorders [PMID:22543972,24591035]